The following is an entry in ClinVar:

ClinVar aggregate classification (germline): Uncertain significance. Review status: criteria provided, multiple submitters, no conflicts (2 of 4 stars). 2 submissions from 2 submitters: Uncertain significance (2). Last evaluated 2024-10-01.

Conditions:
Bardet-Biedl syndrome 5 (BBS5). Identifiers: Orphanet 110, MedGen C3892039, MONDO:0014434, OMIM 615983.
Bardet-Biedl syndrome (BBS). Identifiers: Orphanet 110, MedGen C0752166, MONDO:0015229.

Submissions (2):

Lab De Baere, Eye and Developmental Genetics Lab, Ghent University
Classification: Uncertain significance for Bardet-Biedl syndrome. Last evaluated: 2024-10-01. Review status: criteria provided, single submitter. Criteria: ACMG Guidelines, 2015. Collection method: research. Allele origin: inherited. Affected: yes. Observed: 2 variant alleles.
Comment: ACMG/AMP guidelines: PM2, PP3, PM3_1

DNA-diagnostics Laboratory, Research Centre For Medical Genetics
Classification: Uncertain significance for Bardet-Biedl syndrome 5. Review status: criteria provided, single submitter. Criteria: ACMG Guidelines, 2015. Collection method: clinical testing. Allele origin: germline. Affected: yes. Observed: 1 homozygote.

NM_152384.3(BBS5):c.208+5G>A

Gene: BBS5 (Bardet-Biedl syndrome 5; plus strand). Cytogenetic location: 2q31.1.
Variant type: single nucleotide variant.
Coding change: c.208+5G>A on transcript NM_152384.3 (MANE Select); 5 bases into the intron after coding-DNA position 208, G replaced by A.
Molecular consequence: intron variant.
Genome position (GRCh38, 1-based): chr2:169,487,139, G>A. VCF-style: chr2-169487139-G-A. GRCh37 (hg19) VCF-style: chr2-170343649-G-A.
Identifiers: ClinVar variation 3242538 (VCV003242538.2), dbSNP rs745646726.